The following is an entry in ClinVar:

ClinVar aggregate classification (germline): Likely pathogenic (1 of 4 stars; one submission).

Conditions:
Propionic acidemia (PROP). Also called: GLYCINEMIA, KETOTIC; HYPERGLYCINEMIA WITH KETOACIDOSIS AND LEUKOPENIA; KETOTIC HYPERGLYCINEMIA. Identifiers: Orphanet 35, MedGen C0268579, MONDO:0011628, OMIM 606054, HP:0003571.

Submission:

Natera, Inc.
Classification: Likely pathogenic for Propionic acidemia. Last evaluated: 2025-11-21. Review status: criteria provided, single submitter. Criteria: Natera Variant Classification Schema (03/2026). Collection method: clinical testing. Allele origin: germline.
Comment: The c.1470del variant in PCCA is a frameshift variant predicted to shift the reading frame beginning at codon 491 and leads to a stop codon 5 codons downstream. This variant is expected to result in nonsense mediated decay, truncation, or a dysfunctional protein product. This variant is rare in the general population with a frequency below the threshold expected for the associated phenotype(s). Given the available evidence, this variant is classified as Likely Pathogenic.

NM_000282.4(PCCA):c.1470del (p.Asn491fs)

Gene: PCCA (propionyl-CoA carboxylase subunit alpha; plus strand). Cytogenetic location: 13q32.3.
Variant type: Deletion.
Coding change: c.1470del on transcript NM_000282.4 (MANE Select); coding-DNA position 1470, one base deleted (C; older notation c.1470delC).
Protein change: p.Asn491fs; shifts the reading frame from asparagine 491.
Molecular consequence: frameshift variant. On other transcripts: non-coding transcript variant (5).
Genome position (GRCh38, 1-based): chr13:100,330,601, C deleted. VCF-style (leftmost placement, unchanged base first): chr13-100330600-TC-T. GRCh37 (hg19) VCF-style: chr13-100982854-TC-T.
Other names: c.1392del, p.Asn465fs (NM_001127692.3, NM_001352607.2); c.1470del, p.Asn491fs (NM_001178004.2, NM_001352605.2, NM_001352609.2); c.1326del, p.Asn443fs (NM_001352606.2); c.1248del, p.Asn417fs (NM_001352608.2); c.525del, p.Asn176fs (NM_001352610.2, NM_001352611.2); c.381del, p.Asn128fs (NM_001352612.2); short protein forms N128fs, N176fs, N417fs, N443fs, N465fs, N491fs.
Identifiers: ClinVar variation 4818100 (VCV004818100.1).